The following is an entry in ClinVar:

ClinVar aggregate classification (germline): Likely pathogenic (1 of 4 stars; one submission).

Submission:

GeneDx
Classification: Likely pathogenic. Last evaluated: 2023-12-27. Review status: criteria provided, single submitter. Criteria: GeneDx Variant Classification Process June 2021. Collection method: clinical testing. Allele origin: germline. Affected: yes.
Comment: Intronic +5 splice site variant in a gene for which loss of function is a known mechanism of disease, and both splice predictors and evolutionary conservation support a deleterious effect, although in the absence of functional evidence the actual effect of this sequence change is unknown.; Not observed at significant frequency in large population cohorts (gnomAD); Has not been previously published as pathogenic or benign to our knowledge

NM_021008.4(DEAF1):c.870+3_870+6del

Gene: DEAF1 (DEAF1 transcription factor; minus strand). Cytogenetic location: 11p15.5.
Variant type: Deletion.
Coding change: c.870+3_870+6del on transcript NM_021008.4 (MANE Select); bases 3 to 6 of the intron after coding-DNA position 870, 4 bases deleted (AAGT; older notation c.870+3_870+6delAAGT).
Molecular consequence: splice donor variant.
Genome position (GRCh38, 1-based): chr11:684,892-684,895, ACTT deleted on the plus strand (AAGT on the coding strand, the reverse complement: DEAF1 is on the minus strand); deleting any 4 consecutive bases within chr11:684,892-684,898 gives the same sequence; the c. name uses the placement nearest the transcript's 3' end. VCF-style (leftmost placement, unchanged base first): chr11-684891-CACTT-C. GRCh37 (hg19) VCF-style: chr11-684891-CACTT-C.
Other names: c.144+3_144+6del (NM_001367390.1, NM_001440885.1, NM_001440887.1 and 1 more transcripts); c.730+3_730+6del (NM_001293634.2); c.870+3_870+6del (NM_001440884.1, NM_001440883.1).
Identifiers: ClinVar variation 3340245 (VCV003340245.1).